The following is an entry in ClinVar:

ClinVar aggregate classification (germline): Uncertain significance (1 of 4 stars; one submission).

Submission:

GeneDx
Classification: Uncertain significance. Last evaluated: 2026-01-31. Review status: criteria provided, single submitter. Criteria: GeneDx Variant Classification Process June 2021. Collection method: clinical testing. Allele origin: germline.
Comment: Not observed at significant frequency in large population cohorts (gnomAD); In silico analysis suggests that this missense variant does not alter protein structure/function; Has not been previously published as pathogenic or benign to our knowledge

NM_020771.4(HACE1):c.113T>C (p.Val38Ala)

Gene: HACE1 (HECT domain and ankyrin repeat containing E3 ubiquitin protein ligase 1; minus strand). Cytogenetic location: 6q16.3.
Variant type: single nucleotide variant.
Coding change: c.113T>C on transcript NM_020771.4 (MANE Select); coding-DNA position 113, T replaced by C.
Protein change: p.Val38Ala; replaces valine 38 with alanine.
Molecular consequence: missense variant. On other transcripts: 5 prime UTR variant (6), non-coding transcript variant (7).
Genome position (GRCh38, 1-based): chr6:104,852,335, A>G on the plus strand (T>C on the coding strand, the complement: HACE1 is on the minus strand). VCF-style: chr6-104852335-A-G. GRCh37 (hg19) VCF-style: chr6-105300210-A-G.
Other names: c.113T>C, p.Val38Ala (NM_001321080.2, NM_001350555.2); c.11T>C, p.Val4Ala (NM_001321083.2, NM_001350554.2); c.-309T>C (NM_001321084.2, NM_001350558.2); c.-298T>C (NM_001350556.2); c.-233T>C (NM_001350557.2); c.-255T>C (NM_001350559.2); c.-463T>C (NM_001350560.2); short protein forms V38A, V4A.
Identifiers: ClinVar variation 3906812 (VCV003906812.2).